The following is an entry in ClinVar:

NM_001252024.2(TRPM1):c.3463_3464del (p.Glu1155fs)

Genes: TRPM1 (transient receptor potential cation channel subfamily M member 1; minus strand), TRPM1-AS1 (TRPM1 antisense RNA 1; plus strand), LOC126862088 (BRD4-independent group 4 enhancer GRCh37_chr15:31318084-31319283; plus strand). Cytogenetic location: 15q13.3.
Variant type: Microsatellite.
Coding change: c.3463_3464del on transcript NM_001252024.2 (MANE Select); coding-DNA positions 3463 to 3464, 2 bases deleted (GA; older notation c.3463_3464delGA).
Protein change: p.Glu1155fs; shifts the reading frame from glutamic acid 1155.
Molecular consequence: frameshift variant.
Genome position (GRCh38, 1-based): chr15:31,026,947-31,026,948, TC deleted on the plus strand (GA on the coding strand, the reverse complement: TRPM1 is on the minus strand); deleting any 2 consecutive bases within chr15:31,026,947-31,026,953 gives the same sequence; the c. name uses the placement nearest the transcript's 3' end. VCF-style (leftmost placement, unchanged base first): chr15-31026946-TTC-T. GRCh37 (hg19) VCF-style: chr15-31319149-TTC-T.
Other names: c.3514_3515del, p.Glu1172fs (NM_001252020.2); c.3397_3398del, p.Glu1133fs (NM_002420.6); short protein forms E1133fs, E1155fs, E1172fs.
Identifiers: ClinVar variation 1450087 (VCV001450087.6), dbSNP rs2140900726, ClinGen allele CA2580613785.
Genomic context (GRCh38, chr15:31,026,946, plus strand): 5'-AACTTAGAAATGAAGAGCCCTGCACATACTCAATCCACGATCCCGTTCCTCTTGGTCCCC[TTC>T]TCTCTTTTTCCTGCAGCGGCCGCTGAGACGCATAATGATGATGTAGATGTGGCTTAAAAT-3'

ClinVar aggregate classification (germline): Pathogenic (1 of 4 stars; one submission).

Submission:

Labcorp Genetics (formerly Invitae), Labcorp
Classification: Pathogenic. Last evaluated: 2024-09-06. Review status: criteria provided, single submitter. Criteria: Invitae Variant Classification Sherloc (09022015). Collection method: clinical testing. Allele origin: germline.
Comment: This sequence change creates a premature translational stop signal (p.Glu1133Argfs*15) in the TRPM1 gene. It is expected to result in an absent or disrupted protein product. Loss-of-function variants in TRPM1 are known to be pathogenic (PMID: 19896113, 19966281, 20300565). This variant is not present in population databases (gnomAD no frequency). This variant has not been reported in the literature in individuals affected with TRPM1-related conditions. For these reasons, this variant has been classified as Pathogenic.

Literature cited by the submitters: PubMed 19896113; PubMed 19966281; PubMed 20300565.